The following is an entry in ClinVar:

NM_003072.5(SMARCA4):c.532C>T (p.His178Tyr)

Gene: SMARCA4 (SWI/SNF related BAF chromatin remodeling complex subunit ATPase 4; plus strand). Cytogenetic location: 19p13.2.
Variant type: single nucleotide variant.
Coding change: c.532C>T on transcript NM_003072.5 (MANE Select); coding-DNA position 532, C replaced by T.
Protein change: p.His178Tyr; replaces histidine 178 with tyrosine.
Molecular consequence: missense variant. On other transcripts: non-coding transcript variant (1).
Genome position (GRCh38, 1-based): chr19:10,986,365, C>T. VCF-style: chr19-10986365-C-T. GRCh37 (hg19) VCF-style: chr19-11097041-C-T.
Other names: c.532C>T, p.His178Tyr (NM_001128844.3, NM_001128845.2, NM_001128846.2 and 5 more transcripts); c.532C>T (NM_001128849.1); short protein forms H178Y.
Identifiers: ClinVar variation 1399913 (VCV001399913.11), dbSNP rs2145777525, ClinGen allele CA404056275.

ClinVar aggregate classification (germline): Uncertain significance. Review status: criteria provided, multiple submitters, no conflicts (2 of 4 stars). 2 submissions from 2 submitters: Uncertain significance (2). Last evaluated 2022-12-01.

Conditions:
Rhabdoid tumor predisposition syndrome 2 (RTPS2). Identifiers: Orphanet 231108, Orphanet 69077, MedGen C2750074, MONDO:0013224, OMIM 613325.
Hereditary cancer-predisposing syndrome. Also called: Hereditary Cancer Syndrome; Hereditary neoplastic syndrome; Tumor predisposition; Neoplastic Syndromes, Hereditary. Identifiers: Orphanet 140162, MedGen C0027672, MeSH D009386, MONDO:0015356.

Allele frequency attached by ClinVar (database versions not stated): gnomAD exomes below 0.00001.
gnomAD v4.1: 2 of 1,610,278 alleles (0.00012%); highest among the groups gnomAD compares: Non-Finnish European, 0.00017%; no homozygotes.

Submissions (2):

Ambry Genetics
Classification: Uncertain significance for Hereditary cancer-predisposing syndrome. Last evaluated: 2022-12-01. Review status: criteria provided, single submitter. Criteria: Ambry Variant Classification Scheme 2023. Collection method: clinical testing. Allele origin: germline.
Comment: The p.H178Y variant (also known as c.532C>T), located in coding exon 3 of the SMARCA4 gene, results from a C to T substitution at nucleotide position 532. The histidine at codon 178 is replaced by tyrosine, an amino acid with similar properties. This amino acid position is well conserved in available vertebrate species. In addition, the in silico prediction for this alteration is inconclusive. Since supporting evidence is limited at this time, the clinical significance of this alteration remains unclear.

Labcorp Genetics (formerly Invitae), Labcorp
Classification: Uncertain significance for Rhabdoid tumor predisposition syndrome 2. Last evaluated: 2022-07-11. Review status: criteria provided, single submitter. Criteria: Invitae Variant Classification Sherloc (09022015). Collection method: clinical testing. Allele origin: germline.
Comment: ClinVar contains an entry for this variant (Variation ID: 1399913). This variant has not been reported in the literature in individuals affected with SMARCA4-related conditions. This variant is not present in population databases (gnomAD no frequency). This sequence change replaces histidine, which is basic and polar, with tyrosine, which is neutral and polar, at codon 178 of the SMARCA4 protein (p.His178Tyr). Algorithms developed to predict the effect of missense changes on protein structure and function (SIFT, PolyPhen-2, Align-GVGD) all suggest that this variant is likely to be disruptive. In summary, the available evidence is currently insufficient to determine the role of this variant in disease. Therefore, it has been classified as a Variant of Uncertain Significance.